The following is an entry in ClinVar:

ClinVar aggregate classification (germline): Uncertain significance. Review status: criteria provided, multiple submitters, no conflicts (2 of 4 stars). 3 submissions from 3 submitters: Uncertain significance (2). 1 of the submissions does not count toward it. Last evaluated 2025-05-17.

Conditions:
Fumarase deficiency (FMRD). Also called: Fumaric aciduria; Fumarate Hydratase Deficiency. Identifiers: Orphanet 24, MedGen C0342770, MONDO:0011730, OMIM 606812.
Hereditary cancer-predisposing syndrome. Also called: Hereditary neoplastic syndrome; Neoplastic Syndromes, Hereditary; Tumor predisposition; Hereditary Cancer Syndrome. Identifiers: Orphanet 140162, MedGen C0027672, MeSH D009386, MONDO:0015356.

Allele frequency attached by ClinVar (database versions not stated): gnomAD exomes 0.00001.
gnomAD v4.1: 6 of 1,614,188 alleles (0.00037%); highest among the groups gnomAD compares: Non-Finnish European, 0.00051%; no homozygotes.

Submissions (3):

Ambry Genetics
Classification: Uncertain significance for Hereditary cancer-predisposing syndrome. Last evaluated: 2025-05-17. Review status: criteria provided, single submitter. Criteria: Ambry Variant Classification Scheme 2023. Collection method: clinical testing. Allele origin: germline.
Comment: The p.K80T variant (also known as c.239A>C), located in coding exon 2 of the FH gene, results from an A to C substitution at nucleotide position 239. The lysine at codon 80 is replaced by threonine, an amino acid with similar properties. This amino acid position is highly conserved in available vertebrate species. In addition, this alteration is predicted to be deleterious by in silico analysis. Since supporting evidence is limited at this time, the clinical significance of this alteration remains unclear.

Labcorp Genetics (formerly Invitae), Labcorp
Classification: Uncertain significance. Last evaluated: 2024-03-02. Review status: criteria provided, single submitter. Criteria: Invitae Variant Classification Sherloc (09022015). Collection method: clinical testing. Allele origin: germline.
Comment: This sequence change replaces lysine, which is basic and polar, with threonine, which is neutral and polar, at codon 80 of the FH protein (p.Lys80Thr). This variant is not present in population databases (gnomAD no frequency). This variant has not been reported in the literature in individuals affected with FH-related conditions. ClinVar contains an entry for this variant (Variation ID: 1025847). Advanced modeling of protein sequence and biophysical properties (such as structural, functional, and spatial information, amino acid conservation, physicochemical variation, residue mobility, and thermodynamic stability) has been performed at Invitae for this missense variant, however the output from this modeling did not meet the statistical confidence thresholds required to predict the impact of this variant on FH protein function. In summary, the available evidence is currently insufficient to determine the role of this variant in disease. Therefore, it has been classified as a Variant of Uncertain Significance.

Natera, Inc.
Classification: Uncertain significance for Fumarase Deficiency. Last evaluated: 2021-10-04. Review status: no assertion criteria provided. Collection method: clinical testing. Allele origin: germline. Not counted in ClinVar's aggregate classification.

NM_000143.4(FH):c.239A>C (p.Lys80Thr)

Gene: FH (fumarate hydratase; minus strand). Cytogenetic location: 1q43.
Variant type: single nucleotide variant.
Coding change: c.239A>C on transcript NM_000143.4 (MANE Select); coding-DNA position 239, A replaced by C.
Protein change: p.Lys80Thr; replaces lysine 80 with threonine.
Molecular consequence: missense variant.
Genome position (GRCh38, 1-based): chr1:241,517,210, T>G on the plus strand (A>C on the coding strand, the complement: FH is on the minus strand). VCF-style: chr1-241517210-T-G. GRCh37 (hg19) VCF-style: chr1-241680510-T-G.
Other names: c.239A>C (NM_000143.3); short protein forms K80T.
Identifiers: ClinVar variation 1025847 (VCV001025847.12), dbSNP rs1660241142, ClinGen allele CA345441711.
Genomic context (GRCh38, chr1:241,517,210, plus strand): 5'-AAATAGCCAACATTTCCACAAATGCCACTTACTGGCATGCGTTCTGTCACACCTCCAATC[T>G]TAAAGTTCATCGTAGATCTCACGGTCTGGGCGCCATAATACTTATCATTTGGCACCTTTA-3'
Protein context (NP_000134.2, residues 70-90): AQTVRSTMNF[Lys80Thr]IGGVTERMPT